The following is an entry in ClinVar:

ClinVar aggregate classification (germline): Uncertain significance (1 of 4 stars; one submission).

gnomAD v4.1: 2 of 1,613,508 alleles (0.00012%); highest among the groups gnomAD compares: Middle Eastern, 0.017%; no homozygotes.

Submission:

Labcorp Genetics (formerly Invitae), Labcorp
Classification: Uncertain significance. Last evaluated: 2025-02-04. Review status: criteria provided, single submitter. Criteria: Invitae Variant Classification Sherloc (09022015). Collection method: clinical testing. Allele origin: germline.
Comment: This sequence change replaces threonine, which is neutral and polar, with proline, which is neutral and non-polar, at codon 311 of the LBR protein (p.Thr311Pro). This variant is present in population databases (rs2275601, gnomAD 0.003%). This variant has not been reported in the literature in individuals affected with LBR-related conditions. Invitae Evidence Modeling of protein sequence and biophysical properties (such as structural, functional, and spatial information, amino acid conservation, physicochemical variation, residue mobility, and thermodynamic stability) indicates that this missense variant is not expected to disrupt LBR protein function with a negative predictive value of 80%. In summary, the available evidence is currently insufficient to determine the role of this variant in disease. Therefore, it has been classified as a Variant of Uncertain Significance.

NM_002296.4(LBR):c.931A>C (p.Thr311Pro)

Gene: LBR (lamin B receptor; minus strand). Cytogenetic location: 1q42.12.
Variant type: single nucleotide variant.
Coding change: c.931A>C on transcript NM_002296.4 (MANE Select); coding-DNA position 931, A replaced by C.
Protein change: p.Thr311Pro; replaces threonine 311 with proline.
Molecular consequence: missense variant.
Genome position (GRCh38, 1-based): chr1:225,412,607, T>G on the plus strand (A>C on the coding strand, the complement: LBR is on the minus strand). VCF-style: chr1-225412607-T-G. GRCh37 (hg19) VCF-style: chr1-225600309-T-G.
Other names: c.931A>C, p.Thr311Pro (NM_194442.3); short protein forms T311P.
Identifiers: ClinVar variation 4744008 (VCV004744008.1).